The following is an entry in ClinVar:

NM_001105206.3(LAMA4):c.141G>T (p.Pro47=)

Genes: LAMA4 (laminin subunit alpha 4; minus strand), LAMA4-AS1 (LAMA4 antisense RNA 1; plus strand). Cytogenetic location: 6q21.
Variant type: single nucleotide variant.
Coding change: c.141G>T on transcript NM_001105206.3 (MANE Select); coding-DNA position 141, G replaced by T.
Protein change: p.Pro47=; no amino-acid change (proline 47 retained).
Molecular consequence: synonymous variant.
Genome position (GRCh38, 1-based): chr6:112,254,010, C>A on the plus strand (G>T on the coding strand, the complement: LAMA4 is on the minus strand). VCF-style: chr6-112254010-C-A. GRCh37 (hg19) VCF-style: chr6-112575212-C-A.
Other names: c.141G>T, p.Pro47= (NM_001105207.3, NM_001105208.3, NM_001105209.3 and 1 more transcripts).
Identifiers: ClinVar variation 388208 (VCV000388208.6), dbSNP rs141926228, ClinGen allele CA3966330.
Genomic context (GRCh38, chr6:112,254,010, plus strand): 5'-CTGTACCTCGGCCGCAGGCGGCAGGCGTCCCAGAGCCACGCGGGGTTCGCTCGTCTCAGG[C>A]GGGTCTTGCCTGCCAACCGCTGAGCTCCCTTCAATGTCAAAAGGAAAAGCGTTGTCGTCC-3'
Protein context (NP_001098676.2, residues 37-57): EGSSAVGRQD[Pro47=]PETSEPRVAL

ClinVar aggregate classification (germline): Likely benign. Review status: criteria provided, multiple submitters, no conflicts (2 of 4 stars). 3 submissions from 3 submitters: Likely benign (3). Last evaluated 2024-04-01.

Conditions:
Cardiovascular phenotype. Identifiers: MedGen CN230736.
Dilated cardiomyopathy 1JJ (CMD1JJ). Identifiers: Orphanet 154, MedGen C3808935, MONDO:0014095, OMIM 615235.

Allele frequency attached by ClinVar (database versions not stated): TOPMed 0.00004.
gnomAD v4.1: 25 of 1,587,854 alleles (0.0016%); highest among the groups gnomAD compares: South Asian, 0.0011%; no homozygotes.

Submissions (3):

Labcorp Genetics (formerly Invitae), Labcorp
Classification: Likely benign for Dilated cardiomyopathy 1JJ. Last evaluated: 2024-04-01. Review status: criteria provided, single submitter. Criteria: Invitae Variant Classification Sherloc (09022015). Collection method: clinical testing. Allele origin: germline.

Ambry Genetics
Classification: Likely benign for Cardiovascular phenotype. Last evaluated: 2022-01-13. Review status: criteria provided, single submitter. Criteria: Ambry Variant Classification Scheme 2023. Collection method: clinical testing. Allele origin: germline.

GeneDx
Classification: Likely benign. Last evaluated: 2016-07-27. Review status: criteria provided, single submitter. Criteria: GeneDx Variant Classification (06012015). Collection method: clinical testing. Allele origin: germline. Affected: yes.
Comment: This variant is considered likely benign or benign based on one or more of the following criteria: it is a conservative change, it occurs at a poorly conserved position in the protein, it is predicted to be benign by multiple in silico algorithms, and/or has population frequency not consistent with disease.